The following is an entry in ClinVar:

NM_004991.4(MECOM):c.3337A>C (p.Asn1113His)

Gene: MECOM (MDS1 and EVI1 complex locus; minus strand). Cytogenetic location: 3q26.2.
Variant type: single nucleotide variant.
Coding change: c.3337A>C on transcript NM_004991.4 (MANE Select); coding-DNA position 3337, A replaced by C.
Protein change: p.Asn1113His; replaces asparagine 1113 with histidine.
Molecular consequence: missense variant.
Genome position (GRCh38, 1-based): chr3:169,090,064, T>G on the plus strand (A>C on the coding strand, the complement: MECOM is on the minus strand). VCF-style: chr3-169090064-T-G. GRCh37 (hg19) VCF-style: chr3-168807852-T-G.
Other names: c.2968A>C, p.Asn990His (NM_001105077.4); c.2773A>C, p.Asn925His (NM_001105078.4, NM_001205194.2, NM_001366469.2 and 1 more transcripts); c.2749A>C, p.Asn917His (NM_001163999.2, NM_001366470.2); c.2746A>C, p.Asn916His (NM_001164000.2, NM_001366471.2, NM_001366472.2); c.3310A>C, p.Asn1104His (NM_001366466.2); c.2776A>C, p.Asn926His (NM_001366467.2, NM_001366468.2); c.2338A>C, p.Asn780His (NM_001366473.2); c.1774A>C, p.Asn592His (NM_001366474.2); short protein forms N1113H, N1104H, N780H, N916H, N925H, N592H, N917H, N926H.
Identifiers: ClinVar variation 2284484 (VCV002284484.3), dbSNP rs2549156851, ClinGen allele CA355068665.

ClinVar aggregate classification (germline): Uncertain significance (1 of 4 stars; one submission).

Conditions:
Inborn genetic diseases. Identifiers: MedGen C0950123, MeSH D030342.

Submission:

Ambry Genetics
Classification: Uncertain significance for Inborn genetic diseases. Last evaluated: 2024-10-04. Review status: criteria provided, single submitter. Criteria: Ambry Variant Classification Scheme 2023. Collection method: clinical testing. Allele origin: germline.
Comment: The p.N1113H variant (also known as c.3337A>C), located in coding exon 15 of the MECOM gene, results from an A to C substitution at nucleotide position 3337. The asparagine at codon 1113 is replaced by histidine, an amino acid with similar properties. This amino acid position is conserved. In addition, this alteration is predicted to be tolerated by in silico analysis. Based on the available evidence, the clinical significance of this variant remains unclear.